The following is an entry in ClinVar:

ClinVar aggregate classification (germline): Likely benign. Review status: criteria provided, multiple submitters, no conflicts (2 of 4 stars). 4 submissions from 4 submitters: Likely benign (3). 1 of the submissions does not count toward it. Last evaluated 2025-08-01.

Conditions:
CAPN10-related disorder. Also called: CAPN10-related condition; CAPN10-related disorders.

Allele frequency attached by ClinVar (database versions not stated): 1000 Genomes Project 0.00040; 1000 Genomes Project 30x 0.00062; TOPMed 0.00244; ESP Exome Variant Server 0.00265; gnomAD 0.00290 and 0.00305; ExAC 0.00320; gnomAD exomes 0.00323.
gnomAD v4.1: 6,030 of 1,613,580 alleles (0.37%); highest among the groups gnomAD compares: Non-Finnish European, 0.44%; 20 homozygotes.

Submissions (4):

CeGaT Center for Human Genetics Tuebingen
Classification: Likely benign. Last evaluated: 2025-08-01. Review status: criteria provided, single submitter. Criteria: CeGaT Center For Human Genetics Tuebingen Variant Classification Criteria Version 2. Collection method: clinical testing. Allele origin: germline. Affected: yes. Observed: 1 variant allele.
Comment: CAPN10: BS2

Labcorp Genetics (formerly Invitae), Labcorp
Classification: Likely benign. Last evaluated: 2019-12-31. Review status: criteria provided, single submitter. Criteria: Invitae Variant Classification Sherloc (09022015). Collection method: clinical testing. Allele origin: germline.

Breakthrough Genomics
Classification: Likely benign. Review status: criteria provided, single submitter. Criteria: ACMG Guidelines, 2015. Collection method: not provided. Allele origin: germline. Inheritance: Unknown mechanism. Affected: yes.

PreventionGenetics, part of Exact Sciences
Classification: Likely benign for CAPN10-related condition. Last evaluated: 2019-07-30. Review status: no assertion criteria provided. Collection method: clinical testing. Allele origin: germline. Not counted in ClinVar's aggregate classification.
Comment: This variant is classified as likely benign based on ACMG/AMP sequence variant interpretation guidelines (Richards et al. 2015 PMID: 25741868, with internal and published modifications).

NM_023083.4(CAPN10):c.1663C>T (p.Arg555Cys)

Gene: CAPN10 (calpain 10; plus strand). Cytogenetic location: 2q37.3.
Variant type: single nucleotide variant.
Coding change: c.1663C>T on transcript NM_023083.4 (MANE Select); coding-DNA position 1663, C replaced by T.
Protein change: p.Arg555Cys; replaces arginine 555 with cysteine.
Molecular consequence: missense variant. On other transcripts: intron variant (1).
Genome position (GRCh38, 1-based): chr2:240,596,862, C>T. VCF-style: chr2-240596862-C-T. GRCh37 (hg19) VCF-style: chr2-241536279-C-T.
Other names: c.1279-1026C>T (NM_023085.4); short protein forms R555C.
Identifiers: ClinVar variation 729852 (VCV000729852.15), dbSNP rs201157354, ClinGen allele CA2205928.